The following is an entry in ClinVar:

ClinVar aggregate classification (germline): Uncertain significance. Review status: criteria provided, multiple submitters, no conflicts (2 of 4 stars). 4 submissions from 4 submitters: Uncertain significance (4). Last evaluated 2025-09-02.

Conditions:
Upshaw-Schulman syndrome (TTP). Also called: THROMBOTIC THROMBOCYTOPENIC PURPURA, HEREDITARY; Congenital thrombotic thrombocytopenic purpura. Identifiers: Orphanet 93583, MedGen C1268935, MONDO:0010122, OMIM 274150.

Allele frequency attached by ClinVar (database versions not stated): ExAC 0.00005; gnomAD 0.00005; gnomAD exomes 0.00006 and 0.00016; TOPMed 0.00006.
gnomAD v4.1: 235 of 1,612,876 alleles (0.015%); highest among the groups gnomAD compares: Non-Finnish European, 0.019%; no homozygotes.

Submissions (4):

Labcorp Genetics (formerly Invitae), Labcorp
Classification: Uncertain significance. Last evaluated: 2025-09-02. Review status: criteria provided, single submitter. Criteria: Invitae Variant Classification Sherloc (09022015). Collection method: clinical testing. Allele origin: germline.
Comment: This sequence change replaces lysine, which is basic and polar, with asparagine, which is neutral and polar, at codon 1396 of the ADAMTS13 protein (p.Lys1396Asn). This variant is present in population databases (rs782518928, gnomAD 0.01%). This variant has not been reported in the literature in individuals affected with ADAMTS13-related conditions. ClinVar contains an entry for this variant (Variation ID: 913179). An algorithm developed to predict the effect of missense changes on protein structure and function (PolyPhen-2) suggests that this variant is likely to be tolerated. In summary, the available evidence is currently insufficient to determine the role of this variant in disease. Therefore, it has been classified as a Variant of Uncertain Significance.

Clinical Genomics Laboratory, Washington University in St. Louis
Classification: Uncertain significance for Upshaw-Schulman syndrome. Last evaluated: 2025-06-25. Review status: criteria provided, single submitter. Criteria: ACMG Guidelines, 2015. Collection method: clinical testing. Allele origin: germline.
Comment: The ADAMTS13 c.4020G>T (p.Lys1340Asn) variant, to our knowledge, has not been reported in the medical literature. The highest population minor allele frequency in the population database genome aggregation database (v.4.1.0) is 0.019% in the European non-Finnish population. Computational predictors suggest that the variant does not impact ADAMTS13 function. This variant has been reported in the ClinVar database as a germline variant of uncertain significance by three submitters. Due to limited information, and based on ACMG/AMP guidelines for variant interpretation (Richards S et al., PMID: 25741868), the clinical significance of this variant is uncertain at this time.

Fulgent Genetics
Classification: Uncertain significance for Upshaw-Schulman syndrome. Last evaluated: 2022-02-01. Review status: criteria provided, single submitter. Criteria: ACMG Guidelines, 2015. Collection method: clinical testing. Allele origin: unknown.

Illumina Laboratory Services, Illumina
Classification: Uncertain significance for Upshaw-Schulman syndrome. Last evaluated: 2018-01-12. Review status: criteria provided, single submitter. Criteria: ICSL Variant Classification Criteria 13 December 2019. Collection method: clinical testing. Allele origin: germline.

NM_139027.6(ADAMTS13):c.4020G>T (p.Lys1340Asn)

Gene: ADAMTS13 (ADAM metallopeptidase with thrombospondin type 1 motif 13; plus strand). Cytogenetic location: 9q34.2.
Variant type: single nucleotide variant.
Coding change: c.4020G>T on transcript NM_139027.6 (MANE Select); coding-DNA position 4020, G replaced by T.
Protein change: p.Lys1340Asn; replaces lysine 1340 with asparagine.
Molecular consequence: missense variant. On other transcripts: non-coding transcript variant (1).
Genome position (GRCh38, 1-based): chr9:133,459,084, G>T. VCF-style: chr9-133459084-G-T. GRCh37 (hg19) VCF-style: chr9-136324206-G-T.
Other names: c.4188G>T, p.Lys1396Asn (NM_139025.5); c.3927G>T, p.Lys1309Asn (NM_139026.6); short protein forms K1309N, K1396N, K1340N.
Identifiers: ClinVar variation 913179 (VCV000913179.8), dbSNP rs782518928, ClinGen allele CA200947657.